The following is an entry in ClinVar:

ClinVar aggregate classification (germline): Pathogenic. Review status: reviewed by expert panel (3 of 4 stars). 4 submissions from 4 submitters: Pathogenic (1). 3 of the submissions do not count toward it. Last evaluated 2016-10-18.

Conditions:
Pancreatic cancer, susceptibility to, 2. Identifiers: Orphanet 1333, MedGen C3150546, MONDO:0013235, OMIM 613347.
Glioma susceptibility 3 (GLM3). Also called: Glioblastoma 3. Identifiers: Orphanet 182067, Orphanet 360, MedGen C2751641, MONDO:0013093, OMIM 613029.
Familial prostate cancer. Also called: Hereditary Prostate Cancer. Identifiers: MedGen C2931456, MONDO:0700275, OMIM 176807.
Breast-ovarian cancer, familial, susceptibility to, 2 (BROVCA2). Also called: BRCA2 Hereditary Breast and Ovarian Cancer. Identifiers: Orphanet 145, MedGen C2675520, MONDO:0012933, OMIM 612555. Disease mechanism: loss of function.
Fanconi anemia complementation group D1. Also called: BRCA2-Related Fanconi Anemia. Identifiers: Orphanet 319462, MedGen C1838457, MONDO:0011584, OMIM 605724.
Medulloblastoma (MDB). Also called: Medulloblastoma, somatic; MEDULLOBLASTOMA PREDISPOSITION SYNDROME. Identifiers: Orphanet 616, MedGen C0025149, MeSH D008527, MONDO:0007959, OMIM 155255, HP:0002885.
Wilms tumor 1 (WT1). Also called: Wilms tumor, somatic. Identifiers: Orphanet 654, MedGen CN033288, MONDO:0008679, OMIM 194070.
Familial cancer of breast. Also called: BREAST CANCER, FAMILIAL; hereditary breast carcinoma; Hereditary breast cancer. Identifiers: Orphanet 227535, MedGen C0346153, MONDO:0016419, OMIM 114480. Disease mechanism: loss of function.
Hereditary breast ovarian cancer syndrome. Also called: Breast and ovarian cancer; Hereditary breast and ovarian cancer; Hereditary breast and ovarian cancer syndrome (HBOC); Hereditary breast and ovarian cancer syndrome; BRCA1- and BRCA2-Associated Hereditary Breast and Ovarian Cancer; Hereditary breast and/or ovarian cancer syndrome. Identifiers: Orphanet 145, MedGen C0677776, MeSH D061325, MONDO:0003582. Disease mechanism: loss of function.

Submissions (4):

Evidence-based Network for the Interpretation of Germline Mutant Alleles (ENIGMA)
Classification: Pathogenic for Breast-ovarian cancer, familial, susceptibility to, 2. Last evaluated: 2016-10-18. Review status: reviewed by expert panel. Criteria: ENIGMA BRCA1/2 Classification Criteria (2015). Collection method: curation. Allele origin: germline.
Comment: Variant allele predicted to encode a truncated non-functional protein.

Labcorp Genetics (formerly Invitae), Labcorp
Classification: Pathogenic for Hereditary breast ovarian cancer syndrome. Last evaluated: 2025-11-27. Review status: criteria provided, single submitter. Criteria: Invitae Variant Classification Sherloc (09022015). Collection method: clinical testing. Allele origin: germline. Not counted in ClinVar's aggregate classification.
Comment: This sequence change creates a premature translational stop signal (p.Gln754Asnfs*18) in the BRCA2 gene. It is expected to result in an absent or disrupted protein product. Loss-of-function variants in BRCA2 are known to be pathogenic (PMID: 20104584). This variant is not present in population databases (gnomAD no frequency). This premature translational stop signal has been observed in individual(s) with breast cancer (PMID: 15365993, 25863477). ClinVar contains an entry for this variant (Variation ID: 51261). For these reasons, this variant has been classified as Pathogenic.

Consortium of Investigators of Modifiers of BRCA1/2 (CIMBA), c/o University of Cambridge
Classification: Pathogenic for Breast-ovarian cancer, familial, susceptibility to, 2. Last evaluated: 2015-10-02. Review status: criteria provided, single submitter. Criteria: CIMBA Mutation Classification guidelines May 2016. Collection method: clinical testing. Allele origin: germline. Not counted in ClinVar's aggregate classification.

Juno Genomics, Hangzhou Juno Genomics, Inc
Classification: Pathogenic for Familial cancer of breast; Breast-ovarian cancer, familial, susceptibility to, 2; Glioma susceptibility 3; Medulloblastoma; Pancreatic cancer, susceptibility to, 2; Familial prostate cancer; Fanconi anemia complementation group D1; Wilms tumor 1. Review status: criteria provided, single submitter. Criteria: ACMG Guidelines, 2015. Collection method: clinical testing. Allele origin: germline. Not counted in ClinVar's aggregate classification.
Comment: Absent from controls (or at extremely low frequency if recessive) in Genome Aggregation Database.;Null variant in a gene where loss of function (LOF) is a known mechanism of disease.;Novel missense change at an amino acid residue where a different missense change determined to be pathogenic has been seen before.

Literature cited by the submitters: PubMed 20104584 (cited by Labcorp Genetics (formerly Invitae), Labcorp); PubMed 15365993 (cited by Labcorp Genetics (formerly Invitae), Labcorp); PubMed 25863477 (cited by Labcorp Genetics (formerly Invitae), Labcorp).

NM_000059.4(BRCA2):c.2259del (p.Gln754fs)

Gene: BRCA2 (BRCA2 DNA repair associated; plus strand). Cytogenetic location: 13q13.1.
Variant type: Deletion.
Coding change: c.2259del on transcript NM_000059.4 (MANE Select); coding-DNA position 2259, one base deleted (T; older notation c.2259delT).
Protein change: p.Gln754fs; shifts the reading frame from glutamine 754.
Molecular consequence: frameshift variant.
Genome position (GRCh38, 1-based): chr13:32,336,614, T deleted; the last of 3 consecutive T bases (chr13:32,336,612-32,336,614); deleting any one gives the same sequence. VCF-style (leftmost placement, unchanged base first): chr13-32336611-CT-C. GRCh37 (hg19) VCF-style: chr13-32910748-CT-C.
Other names: 2487delT-ter771; c.2259delT (NM_000059.3).
Identifiers: ClinVar variation 51261 (VCV000051261.11), dbSNP rs397507621, ClinGen allele CA014791.